The following is an entry in ClinVar:

NM_004239.4(TRIP11):c.5192A>G (p.Asp1731Gly)

Gene: TRIP11 (thyroid hormone receptor interactor 11; minus strand). Cytogenetic location: 14q32.12.
Variant type: single nucleotide variant.
Coding change: c.5192A>G on transcript NM_004239.4 (MANE Select); coding-DNA position 5192, A replaced by G.
Protein change: p.Asp1731Gly; replaces aspartic acid 1731 with glycine.
Molecular consequence: missense variant.
Genome position (GRCh38, 1-based): chr14:91,988,352, T>C on the plus strand (A>G on the coding strand, the complement: TRIP11 is on the minus strand). VCF-style: chr14-91988352-T-C. GRCh37 (hg19) VCF-style: chr14-92454696-T-C.
Other names: c.5189A>G, p.Asp1730Gly (NM_001321851.1); short protein forms D1731G, D1730G.
Identifiers: ClinVar variation 314933 (VCV000314933.12), dbSNP rs536393273, ClinGen allele CA7313243.

ClinVar aggregate classification (germline): Uncertain significance. Review status: criteria provided, multiple submitters, no conflicts (2 of 4 stars). 3 submissions from 3 submitters: Uncertain significance (3). Last evaluated 2021-08-30.

Conditions:
Achondrogenesis, type IA (ACG1A). Identifiers: Orphanet 932, Orphanet 93299, MedGen C0265273, MONDO:0008701, OMIM 200600.

Allele frequency attached by ClinVar (database versions not stated): gnomAD exomes 0.00003 and 0.00008; gnomAD 0.00004 and 0.00005; TOPMed 0.00005; ExAC 0.00008; 1000 Genomes Project 30x 0.00031; 1000 Genomes Project 0.00040.
gnomAD v4.1: 45 of 1,613,846 alleles (0.0028%); highest among the groups gnomAD compares: East Asian, 0.1%; no homozygotes.

Submissions (3):

Labcorp Genetics (formerly Invitae), Labcorp
Classification: Uncertain significance for Achondrogenesis, type IA. Last evaluated: 2021-08-30. Review status: criteria provided, single submitter. Criteria: Invitae Variant Classification Sherloc (09022015). Collection method: clinical testing. Allele origin: germline.

GeneDx
Classification: Uncertain significance. Last evaluated: 2020-06-30. Review status: criteria provided, single submitter. Criteria: GeneDx Variant Classification Process June 2021. Collection method: clinical testing. Allele origin: germline. Affected: yes.
Comment: In silico analysis supports that this missense variant has a deleterious effect on protein structure/function; Has not been previously published as pathogenic or benign to our knowledge

Illumina Laboratory Services, Illumina
Classification: Uncertain significance for Achondrogenesis, type IA. Last evaluated: 2018-01-13. Review status: criteria provided, single submitter. Criteria: ICSL Variant Classification Criteria 13 December 2019. Collection method: clinical testing. Allele origin: germline.